The following is an entry in ClinVar:

NM_005061.3(RPL3L):c.1037C>T (p.Thr346Met)

Gene: RPL3L (ribosomal protein L3 like; minus strand). Cytogenetic location: 16p13.3.
Variant type: single nucleotide variant.
Coding change: c.1037C>T on transcript NM_005061.3 (MANE Select); coding-DNA position 1037, C replaced by T.
Protein change: p.Thr346Met; replaces threonine 346 with methionine.
Molecular consequence: missense variant.
Genome position (GRCh38, 1-based): chr16:1,945,845, G>A on the plus strand (C>T on the coding strand, the complement: RPL3L is on the minus strand). VCF-style: chr16-1945845-G-A. GRCh37 (hg19) VCF-style: chr16-1995846-G-A.
Other names: short protein forms T346M.
Identifiers: ClinVar variation 3373145 (VCV003373145.2).
Genomic context (GRCh38, chr16:1,945,845, plus strand): 5'-GGCTGGCAGCCCTCGGGCACCCACTCCCCAGCCCACCCAGCACTGCCAACCTTTCTCAGC[G>A]TAATGACCCGCTTCTTGGTACCAGCAATACAACCCTTCAGCATGACGAAGTCGTTGTTCA-3'
Protein context (NP_005052.1, residues 336-356): CIAGTKKRVI[Thr346Met]LRKSLLVHHS

ClinVar aggregate classification (germline): Uncertain significance (1 of 4 stars; one submission).

gnomAD v4.1: 246 of 1,613,984 alleles (0.015%); highest among the groups gnomAD compares: Admixed American, 0.063%; 2 homozygotes.

Submission:

GeneDx
Classification: Uncertain significance. Last evaluated: 2026-08-22. Review status: criteria provided, single submitter. Criteria: GeneDx Variant Classification Process June 2021. Collection method: clinical testing. Allele origin: germline.
Comment: In silico analysis supports that this missense variant has a deleterious effect on protein structure/function; Has not been previously published as pathogenic or benign to our knowledge